The following is an entry in ClinVar:

ClinVar aggregate classification (germline): Uncertain significance (1 of 4 stars; one submission).

Submission:

Ambry Genetics
Classification: Uncertain significance. Last evaluated: 2024-08-05. Review status: criteria provided, single submitter. Criteria: Ambry Variant Classification Scheme 2023. Collection method: clinical testing. Allele origin: germline.
Comment: The p.V1170L variant (also known as c.3508G>C), located in coding exon 4 of the MLH3 gene, results from a G to C substitution at nucleotide position 3508. The valine at codon 1170 is replaced by leucine, an amino acid with highly similar properties. This amino acid position is highly conserved in available vertebrate species. In addition, the in silico prediction for this alteration is inconclusive. Based on the available evidence, the clinical significance of this variant remains unclear.

NM_001040108.2(MLH3):c.3508G>C (p.Val1170Leu)

Gene: MLH3 (mutL homolog 3; minus strand). Cytogenetic location: 14q24.3.
Variant type: single nucleotide variant.
Coding change: c.3508G>C on transcript NM_001040108.2 (MANE Select); coding-DNA position 3508, G replaced by C.
Protein change: p.Val1170Leu; replaces valine 1170 with leucine.
Molecular consequence: missense variant.
Genome position (GRCh38, 1-based): chr14:75,039,973, C>G on the plus strand (G>C on the coding strand, the complement: MLH3 is on the minus strand). VCF-style: chr14-75039973-C-G. GRCh37 (hg19) VCF-style: chr14-75506676-C-G.
Other names: c.3508G>C, p.Val1170Leu (NM_014381.3); short protein forms V1170L.
Identifiers: ClinVar variation 3396667 (VCV003396667.1).